The following is an entry in ClinVar:

ClinVar aggregate classification (germline): Pathogenic (1 of 4 stars; one submission).

Conditions:
Familial adenomatous polyposis 1 (FAP1). Also called: FAMILIAL ADENOMATOUS POLYPOSIS 1, ATTENUATED; POLYPOSIS, ADENOMATOUS INTESTINAL. Identifiers: MedGen C2713442, MONDO:0021056, OMIM 175100. Disease mechanism: loss of function.

Submission:

Myriad Genetics, Inc.
Classification: Pathogenic for Familial adenomatous polyposis 1. Last evaluated: 2023-05-04. Review status: criteria provided, single submitter. Criteria: Myriad Autosomal Dominant, Autosomal Recessive and X-Linked Classification Criteria (2023). Collection method: clinical testing. Allele origin: unknown.
Comment: This variant is considered pathogenic. This variant creates a frameshift predicted to result in premature protein truncation.

NM_000038.6(APC):c.2274del (p.Ala759fs)

Gene: APC (APC regulator of Wnt signaling pathway; plus strand). Cytogenetic location: 5q22.2.
Variant type: Deletion.
Coding change: c.2274del on transcript NM_000038.6 (MANE Select); coding-DNA position 2274, one base deleted (A; older notation c.2274delA).
Protein change: p.Ala759fs; shifts the reading frame from alanine 759.
Molecular consequence: frameshift variant. On other transcripts: non-coding transcript variant (2).
Genome position (GRCh38, 1-based): chr5:112,837,868, A deleted; the last of 5 consecutive A bases (chr5:112,837,864-112,837,868); deleting any one gives the same sequence. VCF-style (leftmost placement, unchanged base first): chr5-112837863-CA-C. GRCh37 (hg19) VCF-style: chr5-112173560-CA-C.
Other names: c.2274del, p.Ala759fs (NM_001127510.3, NM_001354895.2, NM_001407450.1); c.2220del, p.Ala741fs (NM_001127511.3); c.2328del, p.Ala777fs (NM_001354896.2, NM_001407447.1, NM_001407448.1 and 1 more transcripts); c.2304del, p.Ala769fs (NM_001354897.2); c.2199del, p.Ala734fs (NM_001354898.2); c.2190del, p.Ala731fs (NM_001354899.2); c.2151del, p.Ala718fs (NM_001354900.2); c.2097del, p.Ala700fs (NM_001354901.2, NM_001407453.1); and 11 more; short protein forms A375fs, A476fs, A599fs, A630fs, A633fs, A658fs, A668fs, A676fs.
Identifiers: ClinVar variation 2584184 (VCV002584184.1), dbSNP rs2533408961, ClinGen allele CA445963305.